The following is an entry in ClinVar:

ClinVar aggregate classification (germline): Likely pathogenic. Review status: reviewed by expert panel (3 of 4 stars). 8 submissions from 8 submitters: Likely pathogenic (1). 7 of the submissions do not count toward it. Last evaluated 2023-02-28.

Conditions:
Very long chain acyl-CoA dehydrogenase deficiency (ACADVLD). Also called: VLCAD Deficiency; Very Long-Chain Acyl-Coenzyme A Dehydrogenase Deficiency. Identifiers: Orphanet 26793, MedGen C3887523, MONDO:0008723, OMIM 201475.

Allele frequency attached by ClinVar (database versions not stated): gnomAD exomes below 0.00001 and 0.00001; ExAC 0.00002; gnomAD 0.00002; TOPMed 0.00002.

Submissions (8):

ClinGen ACADVL Variant Curation Expert Panel, ClinGen
Classification: Likely pathogenic for Very long chain acyl-CoA dehydrogenase deficiency. Last evaluated: 2023-02-28. Review status: reviewed by expert panel. Criteria: clingen acadvl acmg specifications v1. Collection method: curation. Allele origin: germline. Inheritance: Autosomal recessive inheritance.
Comment: The NM_000152.5: c.881_884dup (p.Pro296AlafsTer3) variant in ACADVL is a frameshift variant predicted to cause a premature stop codon in biologically relevant exon 10/20 leading to nonsense mediated decay in a gene in which loss-of-function is an established disease mechanism (PVS1). The highest population minor allele frequency in gnomAD v2.1.1 is 0.00009 in the Latino population, which is lower than the ClinGen ACADVL Variant Curation Expert Panel threshold (<0.001) for PM2_Supporting, meeting this criterion (PM2_Supporting). In summary, this variant meets the criteria to be classified as likely pathogenic for autosomal recessive very long chain acyl-CoA dehydrogenase (VLCAD) deficiency based on the ACMG/AMP criteria applied, as specified by the ClinGen ACADVL Variant Curation Expert Panel: PVS1, PM2_supporting. (ACADVL VCEP specifications version 1; approved February 28, 2023)

Labcorp Genetics (formerly Invitae), Labcorp
Classification: Pathogenic for Very long chain acyl-CoA dehydrogenase deficiency. Last evaluated: 2025-04-27. Review status: criteria provided, single submitter. Criteria: Invitae Variant Classification Sherloc (09022015). Collection method: clinical testing. Allele origin: germline. Not counted in ClinVar's aggregate classification.
Comment: This sequence change creates a premature translational stop signal (p.Pro296Alafs*3) in the ACADVL gene. It is expected to result in an absent or disrupted protein product. Loss-of-function variants in ACADVL are known to be pathogenic (PMID: 9973285, 11590124). This variant is present in population databases (rs766192888, gnomAD 0.01%). This premature translational stop signal has been observed in individual(s) with a positive newborn screening result for ACADVL-related disease (PMID: 26385305). ClinVar contains an entry for this variant (Variation ID: 371464). For these reasons, this variant has been classified as Pathogenic.

Natera, Inc.
Classification: Likely pathogenic for Very long chain acyl-CoA dehydrogenase deficiency. Last evaluated: 2024-03-04. Review status: criteria provided, single submitter. Criteria: Natera Variant Classification Schema (03/2026). Collection method: clinical testing. Allele origin: germline. Not counted in ClinVar's aggregate classification.
Comment: The c.881_884dupGGCC variant in ACADVL is a frameshift variant predicted to shift the reading frame beginning at codon 296 and leads to a stop codon 3 codons downstream. This variant is expected to result in nonsense mediated decay, truncation, or a dysfunctional protein product. This variant is rare in the general population with a frequency below the threshold expected for the associated phenotype(s). Given the available evidence, this variant is classified as Likely Pathogenic.

Fulgent Genetics
Classification: Likely pathogenic for Very long chain acyl-CoA dehydrogenase deficiency. Last evaluated: 2024-02-22. Review status: criteria provided, single submitter. Criteria: ACMG Guidelines, 2015. Collection method: clinical testing. Allele origin: germline. Not counted in ClinVar's aggregate classification.

Baylor Genetics
Classification: Pathogenic for Very long chain acyl-CoA dehydrogenase deficiency. Last evaluated: 2024-01-24. Review status: criteria provided, single submitter. Criteria: ACMG Guidelines, 2015. Collection method: clinical testing. Allele origin: unknown. Not counted in ClinVar's aggregate classification.

Wong Mito Lab, Molecular and Human Genetics, Baylor College of Medicine
Classification: Pathogenic for Very long chain acyl-CoA dehydrogenase deficiency. Last evaluated: 2019-11-01. Review status: criteria provided, single submitter. Criteria: ACMG Guidelines, 2015. Collection method: clinical testing. Allele origin: germline. Not counted in ClinVar's aggregate classification.
Comment: The NM_000018.3:c.881_884dupGGCC (NP_000009.1:p.Pro296AlafsTer3) [GRCH38: NC_000017.11:g.7222669_7222672dup] variant in ACADVL gene is interpretated to be Pathogenic based on ACMG guidelines (PMID: 25741868). This variant has been reported. This variant meets the following evidence codes reported in the ACMG guidelines: PVS1, PS3

GeneDx
Classification: Pathogenic. Last evaluated: 2019-06-10. Review status: criteria provided, single submitter. Criteria: GeneDx Variant Classification Process June 2021. Collection method: clinical testing. Allele origin: germline. Affected: yes. Not counted in ClinVar's aggregate classification.
Comment: Frameshift variant predicted to result in protein truncation or nonsense mediated decay in a gene for which loss-of-function is a known mechanism of disease; Not observed at a significant frequency in large population cohorts (Lek et al., 2016); This variant is associated with the following publications: (PMID: 26385305)

Counsyl
Classification: Likely pathogenic for Very long chain acyl-CoA dehydrogenase deficiency. Last evaluated: 2016-10-04. Review status: no assertion criteria provided. Collection method: clinical testing. Allele origin: unknown. Not counted in ClinVar's aggregate classification.

Literature cited by the submitters: PubMed 9973285 (cited by Labcorp Genetics (formerly Invitae), Labcorp); PubMed 11590124 (cited by Labcorp Genetics (formerly Invitae), Labcorp); PubMed 26385305 (cited by Labcorp Genetics (formerly Invitae), Labcorp and Counsyl).

NM_000018.4(ACADVL):c.881_884dup (p.Pro296fs)

Gene: ACADVL (acyl-CoA dehydrogenase very long chain; plus strand). Cytogenetic location: 17p13.1.
Variant type: Duplication.
Coding change: c.881_884dup on transcript NM_000018.4 (MANE Select); coding-DNA positions 881 to 884, 4 bases duplicated (GGCC; older notation c.881_884dupGGCC).
Protein change: p.Pro296fs; shifts the reading frame from proline 296.
Molecular consequence: frameshift variant.
Genome position (GRCh38, 1-based): chr17:7,222,669-7,222,672, GGCC duplicated. VCF-style (leftmost placement, unchanged base first): chr17-7222668-G-GGGCC. GRCh37 (hg19) VCF-style: chr17-7125987-G-GGGCC.
Other names: NM_000018.4(ACADVL):c.881_884dup; p.Pro296fs; c.815_818dup, p.Pro274fs (NM_001033859.3); c.950_953dup, p.Pro319fs (NM_001270447.2); c.653_656dup, p.Pro220fs (NM_001270448.2); short protein forms P274fs, P296fs, P319fs, P220fs.
Identifiers: ClinVar variation 371464 (VCV000371464.21), dbSNP rs766192888, ClinGen allele CA8337899.